The following is an entry in ClinVar:

NM_000018.4(ACADVL):c.626dup (p.Thr210fs)

Gene: ACADVL (acyl-CoA dehydrogenase very long chain; plus strand). Cytogenetic location: 17p13.1.
Variant type: Duplication.
Coding change: c.626dup on transcript NM_000018.4 (MANE Select); coding-DNA position 626, one base duplicated (A; older notation c.626dupA).
Protein change: p.Thr210fs; shifts the reading frame from threonine 210.
Molecular consequence: frameshift variant.
Genome position (GRCh38, 1-based): chr17:7,221,955, A duplicated. VCF-style (leftmost placement, unchanged base first): chr17-7221954-G-GA. GRCh37 (hg19) VCF-style: chr17-7125273-G-GA.
Other names: c.560dup, p.Thr188fs (NM_001033859.3); c.695dup, p.Thr233fs (NM_001270447.2); c.398dup, p.Thr134fs (NM_001270448.2); short protein forms T233fs, T134fs, T188fs, T210fs.
Identifiers: ClinVar variation 1446281 (VCV001446281.7), dbSNP rs2142976531, ClinGen allele CA2573154546.

ClinVar aggregate classification (germline): Pathogenic/Likely pathogenic. Review status: criteria provided, multiple submitters, no conflicts (2 of 4 stars). 2 submissions from 2 submitters: Pathogenic (1); Likely pathogenic (1). Last evaluated 2023-10-20.

Conditions:
Very long chain acyl-CoA dehydrogenase deficiency (ACADVLD). Also called: Very Long-Chain Acyl-Coenzyme A Dehydrogenase Deficiency; VLCAD Deficiency. Identifiers: Orphanet 26793, MedGen C3887523, MONDO:0008723, OMIM 201475.

Submissions (2):

Baylor Genetics
Classification: Likely pathogenic for Very long chain acyl-CoA dehydrogenase deficiency. Last evaluated: 2023-10-20. Review status: criteria provided, single submitter. Criteria: ACMG Guidelines, 2015. Collection method: clinical testing. Allele origin: unknown.

Labcorp Genetics (formerly Invitae), Labcorp
Classification: Pathogenic for Very long chain acyl-CoA dehydrogenase deficiency. Last evaluated: 2021-10-03. Review status: criteria provided, single submitter. Criteria: Invitae Variant Classification Sherloc (09022015). Collection method: clinical testing. Allele origin: germline.
Comment: For these reasons, this variant has been classified as Pathogenic. This variant has not been reported in the literature in individuals affected with ACADVL-related conditions. This variant is not present in population databases (ExAC no frequency). This sequence change creates a premature translational stop signal (p.Thr210Aspfs*43) in the ACADVL gene. It is expected to result in an absent or disrupted protein product. Loss-of-function variants in ACADVL are known to be pathogenic (PMID: 9973285, 11590124).

Literature cited by the submitters: PubMed 9973285 (cited by Labcorp Genetics (formerly Invitae), Labcorp); PubMed 11590124 (cited by Labcorp Genetics (formerly Invitae), Labcorp).